The following is an entry in ClinVar:

ClinVar aggregate classification (germline): Benign (1 of 4 stars; one submission).

Conditions:
Deficiency of hyaluronoglucosaminidase (MPS9). Also called: MPS IX; Mucopolysaccharidosis type 9; HYALURONIDASE DEFICIENCY. Identifiers: Orphanet 67041, MedGen C1291490, MONDO:0011093, OMIM 601492.

Allele frequency attached by ClinVar (database versions not stated): 1000 Genomes Project 0.00499; 1000 Genomes Project 30x 0.00500; gnomAD 0.00603 and 0.00643; TOPMed 0.00737.

Submission:

Illumina Laboratory Services, Illumina
Classification: Benign for Deficiency of hyaluronoglucosaminidase. Last evaluated: 2018-01-13. Review status: criteria provided, single submitter. Criteria: ICSL Variant Classification Criteria 13 December 2019. Collection method: clinical testing. Allele origin: germline.
Comment: This variant was observed in the ICSL laboratory as part of a predisposition screen in an ostensibly healthy population. It had not been previously curated by ICSL or reported in the Human Gene Mutation Database (HGMD: prior to June 1st, 2018), and was therefore a candidate for classification through an automated scoring system. Utilizing variant allele frequency, disease prevalence and penetrance estimates, and inheritance mode, an automated score was calculated to assess if this variant is too frequent to cause the disease. Based on the score and internal cut-off values, a variant classified as benign is not then subjected to further curation. The score for this variant resulted in a classification of benign for this disease.

NM_153281.2(HYAL1):c.-272C>T

Gene: HYAL1 (hyaluronidase 1; minus strand). Cytogenetic location: 3p21.31.
Variant type: single nucleotide variant.
Coding change: c.-272C>T on transcript NM_153281.2; 272 bases upstream of the start codon, C replaced by T.
Molecular consequence: 5 prime UTR variant.
Genome position (GRCh38, 1-based): chr3:50,309,740, G>A on the plus strand (C>T on the coding strand, the complement: HYAL1 is on the minus strand). VCF-style: chr3-50309740-G-A. GRCh37 (hg19) VCF-style: chr3-50347171-G-A.
Identifiers: ClinVar variation 346097 (VCV000346097.7), dbSNP rs139571382, ClinGen allele CA10616387.